The following is an entry in ClinVar:

NM_001393769.1(MED12L):c.2587C>T (p.His863Tyr)

Genes: MED12L (mediator complex subunit 12L; plus strand), P2RY12 (purinergic receptor P2Y12; minus strand). Cytogenetic location: 3q25.1.
Variant type: single nucleotide variant.
Coding change: c.2587C>T on transcript NM_001393769.1 (MANE Select); coding-DNA position 2587, C replaced by T.
Protein change: p.His863Tyr; replaces histidine 863 with tyrosine.
Molecular consequence: missense variant. On other transcripts: intron variant (1).
Genome position (GRCh38, 1-based): chr3:151,355,965, C>T. VCF-style: chr3-151355965-C-T. GRCh37 (hg19) VCF-style: chr3-151073753-C-T.
Other names: c.2482C>T, p.His828Tyr (NM_053002.6); c.-179-15205G>A (NM_022788.5); short protein forms H828Y, H863Y.
Identifiers: ClinVar variation 4885428 (VCV004885428.3).

ClinVar aggregate classification (germline): Uncertain significance. Review status: criteria provided, multiple submitters, no conflicts (2 of 4 stars). 2 submissions from 2 submitters: Uncertain significance (2). Last evaluated 2025-10-19.

Submissions (2):

Dasa
Classification: Uncertain significance. Last evaluated: 2025-10-19. Review status: criteria provided, single submitter. Criteria: DASA Assertion Criteria. Collection method: clinical testing. Allele origin: germline.
Comment: NM_001393769.1(MED12L):c.2587C>T (p.His863Tyr) is a missense variant that results in the substitution of histidine with tyrosine. This variant is absent from population databases. The currently available literature and clinical evidence are not sufficient to establish a definitive association between this variant and the reported condition. Therefore, this variant is classified as a variant of uncertain significance.

Blueprint Genetics
Classification: Uncertain significance. Last evaluated: 2022-02-10. Review status: criteria provided, single submitter. Criteria: ACMG Guidelines, 2015. Collection method: clinical testing. Allele origin: germline.